The following is an entry in ClinVar:

NM_014870.4(ZBTB40):c.3546G>C (p.Pro1182=)

Gene: ZBTB40 (zinc finger and BTB domain containing 40; plus strand). Cytogenetic location: 1p36.12.
Variant type: single nucleotide variant.
Coding change: c.3546G>C on transcript NM_014870.4 (MANE Select); coding-DNA position 3546, G replaced by C.
Protein change: p.Pro1182=; no amino-acid change (proline 1182 retained).
Molecular consequence: synonymous variant.
Genome position (GRCh38, 1-based): chr1:22,526,222, G>C. VCF-style: chr1-22526222-G-C. GRCh37 (hg19) VCF-style: chr1-22852715-G-C.
Other names: c.3546G>C, p.Pro1182= (NM_001083621.2); c.3210G>C, p.Pro1070= (NM_001330398.2).
Identifiers: ClinVar variation 3060178 (VCV003060178.2), dbSNP rs881646, ClinGen allele CA676458.

ClinVar aggregate classification (germline): Benign (0 of 4 stars; one submission).

Conditions:
ZBTB40-related disorder. Also called: ZBTB40-related condition.

Allele frequency attached by ClinVar (database versions not stated): ESP Exome Variant Server 0.29802; 1000 Genomes Project 30x 0.30965; 1000 Genomes Project 0.31809.
gnomAD v4.1: 591,870 of 1,613,896 alleles (37%); highest among the groups gnomAD compares: East Asian, 45%; 112,241 homozygotes.

Submission:

PreventionGenetics, part of Exact Sciences
Classification: Benign for ZBTB40-related condition. Last evaluated: 2019-10-21. Review status: no assertion criteria provided. Collection method: clinical testing. Allele origin: germline.
Comment: This variant is classified as benign based on ACMG/AMP sequence variant interpretation guidelines (Richards et al. 2015 PMID: 25741868, with internal and published modifications).